The following is an entry in ClinVar:

NM_001127644.2(GABRA1):c.484G>A (p.Val162Met)

Gene: GABRA1 (gamma-aminobutyric acid type A receptor subunit alpha1; plus strand). Cytogenetic location: 5q34.
Variant type: single nucleotide variant.
Coding change: c.484G>A on transcript NM_001127644.2 (MANE Select); coding-DNA position 484, G replaced by A.
Protein change: p.Val162Met; replaces valine 162 with methionine.
Molecular consequence: missense variant.
Genome position (GRCh38, 1-based): chr5:161,875,567, G>A. VCF-style: chr5-161875567-G-A. GRCh37 (hg19) VCF-style: chr5-161302573-G-A.
Other names: p.V162M:GTG>ATG; c.484G>A, p.Val162Met (NM_000806.5, NM_001127643.2, NM_001127645.2 and 1 more transcripts); short protein forms V162M.
Identifiers: ClinVar variation 205531 (VCV000205531.2), dbSNP rs796052499, ClinGen allele CA314691.

ClinVar aggregate classification (germline): Uncertain significance (1 of 4 stars; one submission).

Submission:

GeneDx
Classification: Uncertain significance. Last evaluated: 2015-01-14. Review status: criteria provided, single submitter. Criteria: GeneDx Variant Classification (06012015). Collection method: clinical testing. Allele origin: germline. Affected: yes.
Comment: p.Val162Met (GTG>ATG): c.484 G>A in exon 7 of the GABRA1 gene (NM_000806.5). The V162M variant has not been published as a mutation, nor has it been reported as a benign polymorphism to our knowledge. It was not observed in approximately 6,500 individuals of European and African American ancestry in the NHLBI Exome Sequencing Project, indicating it is not a common benign variant in these populations. The V162M variant is a conservative amino acid substitution, which is not likely to impact secondary protein structure as these residues share similar properties. In addition, other missense mutations in nearby residues have not been reported in association with GABRA1-related disorders. However, this substitution occurs at a position that is conserved, and in silico analysis predicts this variant is probably damaging to the protein structure/function. Therefore, based on the currently available information, it is unclear whether this variant is a pathogenic mutation or a rare benign variant. The variant is found in EPILEPSYV2-1 panel(s).